The following is an entry in ClinVar:

ClinVar aggregate classification (germline): Likely benign (1 of 4 stars; one submission).

Allele frequency attached by ClinVar (database versions not stated): ExAC 0.00004; ESP Exome Variant Server 0.00009; 1000 Genomes Project 30x 0.00016; gnomAD 0.00017.
gnomAD v4.1: 199 of 1,551,026 alleles (0.013%); highest among the groups gnomAD compares: Middle Eastern, 0.15%; no homozygotes.

Submission:

CeGaT Center for Human Genetics Tuebingen
Classification: Likely benign. Last evaluated: 2022-04-01. Review status: criteria provided, single submitter. Criteria: CeGaT Center For Human Genetics Tuebingen Variant Classification Criteria Version 2. Collection method: clinical testing. Allele origin: germline. Affected: yes. Observed: 1 variant allele.
Comment: DOT1L: BP4, BP7

NM_032482.3(DOT1L):c.4593C>A (p.Gly1531=)

Gene: DOT1L (DOT1 like histone lysine methyltransferase; plus strand). Cytogenetic location: 19p13.3.
Variant type: single nucleotide variant.
Coding change: c.4593C>A on transcript NM_032482.3 (MANE Select); coding-DNA position 4593, C replaced by A.
Protein change: p.Gly1531=; no amino-acid change (glycine 1531 retained).
Molecular consequence: synonymous variant.
Genome position (GRCh38, 1-based): chr19:2,227,114, C>A. VCF-style: chr19-2227114-C-A. GRCh37 (hg19) VCF-style: chr19-2227113-C-A.
Other names: c.4593C>A, p.Gly1531= (NM_001411141.1).
Identifiers: ClinVar variation 2648967 (VCV002648967.24), dbSNP rs373630790, ClinGen allele CA9061667.